The following is an entry in ClinVar:

ClinVar aggregate classification (germline): Pathogenic (1 of 4 stars; one submission).

Conditions:
Eichsfeld type congenital muscular dystrophy (CMYO3). Also called: MYOPATHY, SEPN1-RELATED; SELENON-related myopathy; Congenital myopathy 3 with rigid spine; Rigid spine muscular dystrophy 1. Identifiers: MedGen C0410180, MONDO:0100100, OMIM 602771.

Allele frequency attached by ClinVar (database versions not stated): gnomAD exomes below 0.00001; ExAC 0.00004.

Submission:

Broad Center for Mendelian Genomics, Broad Institute of MIT and Harvard
Classification: Pathogenic. Last evaluated: 2023-01-24. Review status: criteria provided, single submitter. Criteria: ACMG Guidelines, 2015. Collection method: curation. Allele origin: germline. Inheritance: Autosomal recessive inheritance.
Comment: The p.Glu394fs variant in SELENON has been reported in 2 individuals with SELENON-RM (PMID: 20937510, 26780752), segregated with disease in 1 affected relative from 1 family (PMID: 26780752), and has been identified in 0.002% (2/93014) of European (non-Finnish) chromosomes by the Genome Aggregation Database (gnomAD; dbSNP ID: rs758620314). Although this variant has been seen in the general population in a heterozygous state, its frequency is low enough to be consistent with a recessive carrier frequency. Of the 2 affected individuals, 1 of those was a homozygote and 1 was a compound heterozygote that carried a reported pathogenic variant with unknown phase, which increases the likelihood that the p.Glu394fs variant is pathogenic (PMID: 20937510, 26780752). This variant is predicted to cause a frameshift, which alters the protein‚Äôs amino acid sequence beginning at position 394 and leads to a premature termination codon 16 amino acids downstream. This alteration is then predicted to lead to a truncated or absent protein. Loss of function of the SELENON gene is an established disease mechanism in autosomal recessive SELENON-RM. In summary, this variant meets criteria to be classified as pathogenic for autosomal recessive SELENON-RM. ACMG/AMP Criteria applied: PVS1, PM2_supporting, PM3 (Richards 2015).

NM_206926.2(SELENON):c.1074del (p.Glu360fs)

Gene: SELENON (selenoprotein N; plus strand). Cytogenetic location: 1p36.11.
Variant type: Deletion.
Coding change: c.1074del on transcript NM_206926.2 (MANE Select); coding-DNA position 1074, one base deleted (A; older notation c.1074delA).
Protein change: p.Glu360fs; shifts the reading frame from glutamic acid 360.
Molecular consequence: frameshift variant.
Genome position (GRCh38, 1-based): chr1:25,811,774, A deleted. VCF-style (leftmost placement, unchanged base first): chr1-25811773-CA-C. GRCh37 (hg19) VCF-style: chr1-26138264-CA-C.
Other names: NM_206926.2:c.1074del; c.1176del, p.Glu394fs (NM_020451.3); short protein forms E360fs, E394fs.
Identifiers: ClinVar variation 2412672 (VCV002412672.1), dbSNP rs774283170, ClinGen allele CA696786.